The following is an entry in ClinVar:

NM_014363.6(SACS):c.2414G>C (p.Arg805Thr)

Gene: SACS (sacsin molecular chaperone; minus strand). Cytogenetic location: 13q12.12.
Variant type: single nucleotide variant.
Coding change: c.2414G>C on transcript NM_014363.6 (MANE Select); coding-DNA position 2414, G replaced by C.
Protein change: p.Arg805Thr; replaces arginine 805 with threonine.
Molecular consequence: missense variant.
Genome position (GRCh38, 1-based): chr13:23,341,462, C>G on the plus strand (G>C on the coding strand, the complement: SACS is on the minus strand). VCF-style: chr13-23341462-C-G. GRCh37 (hg19) VCF-style: chr13-23915601-C-G.
Other names: c.1973G>C, p.Arg658Thr (NM_001278055.2); short protein forms R805T, R658T.
Identifiers: ClinVar variation 2139183 (VCV002139183.1), dbSNP rs2542313923, ClinGen allele CA387539082.

ClinVar aggregate classification (germline): Uncertain significance (1 of 4 stars; one submission).

Conditions:
Spastic paraplegia. Identifiers: MedGen C0037772, HP:0001258.

Submission:

Labcorp Genetics (formerly Invitae), Labcorp
Classification: Uncertain significance for Spastic paraplegia. Last evaluated: 2022-01-15. Review status: criteria provided, single submitter. Criteria: Invitae Variant Classification Sherloc (09022015). Collection method: clinical testing. Allele origin: germline.
Comment: This sequence change replaces arginine, which is basic and polar, with threonine, which is neutral and polar, at codon 805 of the SACS protein (p.Arg805Thr). This variant is not present in population databases (gnomAD no frequency). This variant has not been reported in the literature in individuals affected with SACS-related conditions. Advanced modeling of protein sequence and biophysical properties (such as structural, functional, and spatial information, amino acid conservation, physicochemical variation, residue mobility, and thermodynamic stability) performed at Invitae indicates that this missense variant is not expected to disrupt SACS protein function. In summary, the available evidence is currently insufficient to determine the role of this variant in disease. Therefore, it has been classified as a Variant of Uncertain Significance.